The following is an entry in ClinVar:

ClinVar aggregate classification (germline): Uncertain significance (1 of 4 stars; one submission).

gnomAD v4.1: 1 of 1,613,720 alleles (0.000062%); highest among the groups gnomAD compares: Non-Finnish European, 0.000085%; no homozygotes.

Submission:

Dasa
Classification: Uncertain significance. Last evaluated: 2026-05-17. Review status: criteria provided, single submitter. Criteria: DASA Assertion Criteria. Collection method: clinical testing. Allele origin: germline.
Comment: NM_000098.3(CPT2):c.370C>G (p.Arg124Gly) is a missense variant that results in the substitution of arginine with glycine. This variant is rare in population databases. Computational prediction algorithms are consistent with a deleterious effect. The currently available literature and clinical evidence are not sufficient to establish a definitive association between this variant and the reported condition. Therefore, this variant is classified as a variant of uncertain significance.

NM_000098.3(CPT2):c.370C>G (p.Arg124Gly)

Gene: CPT2 (carnitine palmitoyltransferase 2; plus strand). Cytogenetic location: 1p32.3.
Variant type: single nucleotide variant.
Coding change: c.370C>G on transcript NM_000098.3 (MANE Select); coding-DNA position 370, C replaced by G.
Protein change: p.Arg124Gly; replaces arginine 124 with glycine.
Molecular consequence: missense variant.
Genome position (GRCh38, 1-based): chr1:53,210,044, C>G. VCF-style: chr1-53210044-C-G. GRCh37 (hg19) VCF-style: chr1-53675716-C-G.
Other names: c.370C>G, p.Arg124Gly (NM_001330589.2); short protein forms R124G.
Identifiers: ClinVar variation 5020557 (VCV005020557.1).